The following is an entry in ClinVar:

NM_018089.3(ANKZF1):c.1765G>A (p.Glu589Lys)

Gene: ANKZF1 (ankyrin repeat and zinc finger peptidyl tRNA hydrolase 1; plus strand). Cytogenetic location: 2q35.
Variant type: single nucleotide variant.
Coding change: c.1765G>A on transcript NM_018089.3 (MANE Select); coding-DNA position 1765, G replaced by A.
Protein change: p.Glu589Lys; replaces glutamic acid 589 with lysine.
Molecular consequence: missense variant.
Genome position (GRCh38, 1-based): chr2:219,235,547, G>A. VCF-style: chr2-219235547-G-A. GRCh37 (hg19) VCF-style: chr2-220100269-G-A.
Other names: c.1765G>A, p.Glu589Lys (NM_001042410.2); c.1135G>A, p.Glu379Lys (NM_001282792.2); short protein forms E379K, E589K.
Identifiers: ClinVar variation 1374607 (VCV001374607.8), dbSNP rs1574854848, ClinGen allele CA350684461.

ClinVar aggregate classification (germline): Uncertain significance (1 of 4 stars; one submission).

Allele frequency attached by ClinVar (database versions not stated): gnomAD exomes below 0.00001.

Submission:

Labcorp Genetics (formerly Invitae), Labcorp
Classification: Uncertain significance. Last evaluated: 2025-10-18. Review status: criteria provided, single submitter. Criteria: Invitae Variant Classification Sherloc (09022015). Collection method: clinical testing. Allele origin: germline.
Comment: This sequence change replaces glutamic acid, which is acidic and polar, with lysine, which is basic and polar, at codon 589 of the ANKZF1 protein (p.Glu589Lys). This variant is not present in population databases (gnomAD no frequency). This variant has not been reported in the literature in individuals affected with ANKZF1-related conditions. ClinVar contains an entry for this variant (Variation ID: 1374607). An algorithm developed to predict the effect of missense changes on protein structure and function (PolyPhen-2) suggests that this variant is likely to be disruptive. In summary, the available evidence is currently insufficient to determine the role of this variant in disease. Therefore, it has been classified as a Variant of Uncertain Significance.